The following is an entry in ClinVar:

ClinVar aggregate classification (germline): Pathogenic (1 of 4 stars; one submission).

gnomAD v4.1: 2 of 1,613,944 alleles (0.00012%); highest among the groups gnomAD compares: Non-Finnish European, 0.00017%; no homozygotes.

Submission:

Labcorp Genetics (formerly Invitae), Labcorp
Classification: Pathogenic. Last evaluated: 2024-02-23. Review status: criteria provided, single submitter. Criteria: Invitae Variant Classification Sherloc (09022015). Collection method: clinical testing. Allele origin: germline.
Comment: This sequence change creates a premature translational stop signal (p.Ser316*) in the MBD4 gene. It is expected to result in an absent or disrupted protein product. Loss-of-function variants in MBD4 are known to be pathogenic (PMID: 30049810, 35460607). This variant is not present in population databases (gnomAD no frequency). This variant has not been reported in the literature in individuals affected with MBD4-related conditions. For these reasons, this variant has been classified as Pathogenic.

Literature cited by the submitters: PubMed 30049810; PubMed 35460607.

NM_001276270.2(MBD4):c.947C>G (p.Ser316Ter)

Gene: MBD4 (methyl-CpG binding domain 4, DNA glycosylase; minus strand). Cytogenetic location: 3q21.3.
Variant type: single nucleotide variant.
Coding change: c.947C>G on transcript NM_001276270.2 (MANE Select); coding-DNA position 947, C replaced by G.
Protein change: p.Ser316Ter; replaces serine 316 with a stop codon.
Molecular consequence: nonsense. On other transcripts: intron variant (1).
Genome position (GRCh38, 1-based): chr3:129,436,697, G>C on the plus strand (C>G on the coding strand, the complement: MBD4 is on the minus strand). VCF-style: chr3-129436697-G-C. GRCh37 (hg19) VCF-style: chr3-129155540-G-C.
Other names: c.947C>G, p.Ser316Ter (NM_001276271.2, NM_001276272.2, NM_003925.3); c.247+1111C>G (NM_001276273.2); short protein forms S316*.
Identifiers: ClinVar variation 3642839 (VCV003642839.2).